The following is an entry in ClinVar:

NM_015102.5(NPHP4):c.1312G>A (p.Val438Met)

Gene: NPHP4 (nephrocystin 4; minus strand). Cytogenetic location: 1p36.31.
Variant type: single nucleotide variant.
Coding change: c.1312G>A on transcript NM_015102.5 (MANE Select); coding-DNA position 1312, G replaced by A.
Protein change: p.Val438Met; replaces valine 438 with methionine.
Molecular consequence: missense variant. On other transcripts: 5 prime UTR variant (2), non-coding transcript variant (1).
Genome position (GRCh38, 1-based): chr1:5,927,778, C>T on the plus strand (G>A on the coding strand, the complement: NPHP4 is on the minus strand). VCF-style: chr1-5927778-C-T. GRCh37 (hg19) VCF-style: chr1-5987838-C-T.
Other names: c.-55G>A (NM_001291593.2, NM_001291594.2); c.1312G>A (NM_015102.3); short protein forms V438M.
Identifiers: ClinVar variation 1914718 (VCV001914718.4), dbSNP rs746364466, ClinGen allele CA554552.

ClinVar aggregate classification (germline): Uncertain significance. Review status: criteria provided, multiple submitters, no conflicts (2 of 4 stars). 2 submissions from 2 submitters: Uncertain significance (2). Last evaluated 2025-10-22.

Conditions:
Inborn genetic diseases. Identifiers: MedGen C0950123, MeSH D030342.
Nephronophthisis. Also called: Juvenile Nephronophthisis. Identifiers: Orphanet 655, MedGen C0687120, MONDO:0019005, HP:0000090.

Allele frequency attached by ClinVar (database versions not stated): TOPMed below 0.00001; ExAC 0.00001; gnomAD 0.00002; gnomAD exomes 0.00003.
gnomAD v4.1: 47 of 1,609,706 alleles (0.0029%); highest among the groups gnomAD compares: Non-Finnish European, 0.0039%; no homozygotes.

Submissions (2):

Labcorp Genetics (formerly Invitae), Labcorp
Classification: Uncertain significance for Nephronophthisis. Last evaluated: 2025-10-22. Review status: criteria provided, single submitter. Criteria: Invitae Variant Classification Sherloc (09022015). Collection method: clinical testing. Allele origin: germline.
Comment: This sequence change replaces valine, which is neutral and non-polar, with methionine, which is neutral and non-polar, at codon 438 of the NPHP4 protein (p.Val438Met). This variant is present in population databases (rs746364466, gnomAD 0.004%). This variant has not been reported in the literature in individuals affected with NPHP4-related conditions. ClinVar contains an entry for this variant (Variation ID: 1914718). Invitae Evidence Modeling of protein sequence and biophysical properties (such as structural, functional, and spatial information, amino acid conservation, physicochemical variation, residue mobility, and thermodynamic stability) indicates that this missense variant is expected to disrupt NPHP4 protein function with a positive predictive value of 80%. In summary, the available evidence is currently insufficient to determine the role of this variant in disease. Therefore, it has been classified as a Variant of Uncertain Significance.

Ambry Genetics
Classification: Uncertain significance for Inborn genetic diseases. Last evaluated: 2025-08-09. Review status: criteria provided, single submitter. Criteria: Ambry Variant Classification Scheme 2023. Collection method: clinical testing. Allele origin: germline.